The following is an entry in ClinVar:

ClinVar aggregate classification (germline): Uncertain significance (1 of 4 stars; one submission).

Conditions:
Hereditary cancer-predisposing syndrome. Also called: Hereditary neoplastic syndrome; Neoplastic Syndromes, Hereditary; Tumor predisposition; Hereditary Cancer Syndrome. Identifiers: Orphanet 140162, MedGen C0027672, MeSH D009386, MONDO:0015356.

Submission:

Ambry Genetics
Classification: Uncertain significance for Hereditary cancer-predisposing syndrome. Last evaluated: 2025-02-07. Review status: criteria provided, single submitter. Criteria: Ambry Variant Classification Scheme 2023. Collection method: clinical testing. Allele origin: germline.
Comment: The c.2290_2298delAAAGTGAGT variant (also known as p.K764_S766del) is located in coding exon 15 of the BRIP1 gene. This variant results from an in-frame AAAGTGAGT deletion at nucleotide positions 2290 to 2298. This results in the in-frame deletion of three amino acids (KVS) at codons 764 to 766. This amino acid region is highly conserved in available vertebrate species. In addition, this alteration is predicted to be deleterious by in silico analysis (Choi Y et al. PLoS ONE. 2012; 7(10):e46688). Based on the available evidence, the clinical significance of this variant remains unclear.

NM_032043.3(BRIP1):c.2290_2298del (p.Lys764_Ser766del)

Gene: BRIP1 (BRCA1 interacting DNA helicase 1; minus strand). Cytogenetic location: 17q23.2.
Variant type: Deletion.
Coding change: c.2290_2298del on transcript NM_032043.3 (MANE Select); coding-DNA positions 2290 to 2298, 9 bases deleted (AAAGTGAGT; older notation c.2290_2298delAAAGTGAGT).
Protein change: p.Lys764_Ser766del.
Molecular consequence: inframe deletion. On other transcripts: inframe indel (1).
Genome position (GRCh38, 1-based): chr17:61,743,094-61,743,102, ACTCACTTT deleted on the plus strand (AAAGTGAGT on the coding strand, the reverse complement: BRIP1 is on the minus strand); deleting any 9 consecutive bases within chr17:61,743,094-61,743,104 gives the same sequence; the c. name uses the placement nearest the transcript's 3' end. VCF-style (leftmost placement, unchanged base first): chr17-61743093-CACTCACTTT-C. GRCh37 (hg19) VCF-style: chr17-59820454-CACTCACTTT-C.
Other names: c.2290_2298delAAAGTGAGT (NM_032043.2).
Identifiers: ClinVar variation 3825682 (VCV003825682.1).
Genomic context (GRCh38, chr17:61,743,093, plus strand): 5'-GAAAAGGAATTCCTATTGTTATGACAGCACGGGCATTGTCATCTGAGAAATCCAGACCCT[CACTCACTTT>C]ACCACGACAAACTGCTACCAGGAGAGCTCCATCTTAAACAACAGAAAAAAGCATATCCAA-3'